The following is an entry in ClinVar:

ClinVar aggregate classification (germline): Likely benign (1 of 4 stars; one submission).

Allele frequency attached by ClinVar (database versions not stated): gnomAD 0.00525 and 0.00566; TOPMed 0.00574; 1000 Genomes Project 0.00639.
gnomAD v4.1: 796 of 152,082 alleles (0.52%); highest among the groups gnomAD compares: African/African-American, 1.8%; 9 homozygotes.

Submission:

GeneDx
Classification: Likely benign. Last evaluated: 2018-06-16. Review status: criteria provided, single submitter. Criteria: GeneDx Variant Classification (06012015). Collection method: clinical testing. Allele origin: germline. Affected: yes.
Comment: This variant is considered likely benign or benign based on one or more of the following criteria: it is a conservative change, it occurs at a poorly conserved position in the protein, it is predicted to be benign by multiple in silico algorithms, and/or has population frequency not consistent with disease.

NM_182961.4(SYNE1):c.21195+164A>T

Gene: SYNE1 (spectrin repeat containing nuclear envelope protein 1; minus strand). Cytogenetic location: 6q25.2.
Variant type: single nucleotide variant.
Coding change: c.21195+164A>T on transcript NM_182961.4 (MANE Select); 164 bases into the intron after coding-DNA position 21195, A replaced by T.
Molecular consequence: intron variant.
Genome position (GRCh38, 1-based): chr6:152,230,383, T>A on the plus strand (A>T on the coding strand, the complement: SYNE1 is on the minus strand). VCF-style: chr6-152230383-T-A. GRCh37 (hg19) VCF-style: chr6-152551518-T-A.
Other names: c.20982+164A>T (NM_033071.5).
Identifiers: ClinVar variation 679664 (VCV000679664.1), dbSNP rs190303992, ClinGen allele CA150189419.
Genomic context (GRCh38, chr6:152,230,383, plus strand): 5'-GTTTGAAAATTTTCATAATTTCAAATTTTTAAAAACGAGTGAAAAAAACCTAATGTATTT[T>A]AAAAAAAACCCTATAAACTCACAAAATCAGCAAAATTTGTTACTAAATGCAACTTTTAAA-3'